The following is an entry in ClinVar:

NM_001204.7(BMPR2):c.2378C>T (p.Thr793Ile)

Gene: BMPR2 (bone morphogenetic protein receptor type 2; plus strand). Cytogenetic location: 2q33.2.
Variant type: single nucleotide variant.
Coding change: c.2378C>T on transcript NM_001204.7 (MANE Select); coding-DNA position 2378, C replaced by T.
Protein change: p.Thr793Ile; replaces threonine 793 with isoleucine.
Molecular consequence: missense variant.
Genome position (GRCh38, 1-based): chr2:202,556,043, C>T. VCF-style: chr2-202556043-C-T. GRCh37 (hg19) VCF-style: chr2-203420766-C-T.
Other names: short protein forms T793I.
Identifiers: ClinVar variation 3992214 (VCV003992214.1).
Genomic context (GRCh38, chr2:202,556,043, plus strand): 5'-TTGGCAGCAAGCACAAATCAAACTTGAAACAAGTCGAAACTGGAGTTGCCAAGATGAATA[C>T]AATCAATGCAGCAGAACCTCATGTGGTGACAGTCACCATGAATGGTGTGGCAGGTAGAAA-3'
Protein context (NP_001195.2, residues 783-803): QVETGVAKMN[Thr793Ile]INAAEPHVVT

ClinVar aggregate classification (germline): Uncertain significance (1 of 4 stars; one submission).

Conditions:
Inborn genetic diseases. Identifiers: MedGen C0950123, MeSH D030342.

gnomAD v4.1: 2 of 1,614,166 alleles (0.00012%); highest among the groups gnomAD compares: South Asian, 0.0022%; no homozygotes.

Submission:

Ambry Genetics
Classification: Uncertain significance for Inborn genetic diseases. Last evaluated: 2025-06-01. Review status: criteria provided, single submitter. Criteria: Ambry Variant Classification Scheme 2023. Collection method: clinical testing. Allele origin: germline.
Comment: The p.T793I variant (also known as c.2378C>T), located in coding exon 12 of the BMPR2 gene, results from a C to T substitution at nucleotide position 2378. The threonine at codon 793 is replaced by isoleucine, an amino acid with similar properties. This amino acid position is conserved. In addition, the in silico prediction for this alteration is inconclusive. Based on the available evidence, the clinical significance of this variant remains unclear.